The following is an entry in ClinVar:

ClinVar aggregate classification (germline): Uncertain significance (1 of 4 stars; one submission).

Conditions:
Familial sleep-related hypermotor epilepsy. Also called: Autosomal Dominant Sleep-Related Hypermotor (Hyperkinetic) Epilepsy. Identifiers: Orphanet 98784, MedGen C3696898, MONDO:0000030.

Allele frequency attached by ClinVar (database versions not stated): ExAC 0.00001; gnomAD 0.00001; 1000 Genomes Project 30x 0.00016; 1000 Genomes Project 0.00020; gnomAD exomes below 0.00001.

Submission:

Labcorp Genetics (formerly Invitae), Labcorp
Classification: Uncertain significance for Familial sleep-related hypermotor epilepsy. Last evaluated: 2022-02-02. Review status: criteria provided, single submitter. Criteria: Invitae Variant Classification Sherloc (09022015). Collection method: clinical testing. Allele origin: germline.
Comment: In summary, the available evidence is currently insufficient to determine the role of this variant in disease. Therefore, it has been classified as a Variant of Uncertain Significance. Algorithms developed to predict the effect of missense changes on protein structure and function (SIFT, PolyPhen-2, Align-GVGD) all suggest that this variant is likely to be tolerated. This variant has not been reported in the literature in individuals affected with PRIMA1-related conditions. This variant is present in population databases (rs548656636, gnomAD 0.007%). This sequence change replaces alanine, which is neutral and non-polar, with valine, which is neutral and non-polar, at codon 133 of the PRIMA1 protein (p.Ala133Val).

NM_178013.4(PRIMA1):c.398C>T (p.Ala133Val)

Gene: PRIMA1 (proline rich membrane anchor 1; minus strand). Cytogenetic location: 14q32.12.
Variant type: single nucleotide variant.
Coding change: c.398C>T on transcript NM_178013.4 (MANE Select); coding-DNA position 398, C replaced by T.
Protein change: p.Ala133Val; replaces alanine 133 with valine.
Molecular consequence: missense variant.
Genome position (GRCh38, 1-based): chr14:93,721,508, G>A on the plus strand (C>T on the coding strand, the complement: PRIMA1 is on the minus strand). VCF-style: chr14-93721508-G-A. GRCh37 (hg19) VCF-style: chr14-94187854-G-A.
Other names: short protein forms A133V.
Identifiers: ClinVar variation 1401886 (VCV001401886.8), dbSNP rs548656636, ClinGen allele CA7323005.